The following is an entry in ClinVar:

ClinVar aggregate classification (germline): Pathogenic. Review status: criteria provided, multiple submitters, no conflicts (2 of 4 stars). 2 submissions from 2 submitters: Pathogenic (2). Last evaluated 2017-04-19.

Conditions:
Duchenne muscular dystrophy (DMD). Also called: MUSCULAR DYSTROPHY, PSEUDOHYPERTROPHIC PROGRESSIVE, DUCHENNE TYPE; Duchenne Muscular Dystrophy (DMD). Identifiers: Orphanet 98896, MedGen C0013264, MONDO:0010679, OMIM 310200.

Submissions (2):

Eurofins Ntd Llc (ga)
Classification: Pathogenic. Last evaluated: 2017-04-19. Review status: criteria provided, single submitter. Criteria: EGL Classification Definitions 2015. Collection method: clinical testing. Allele origin: germline. Observed: 1 variant allele, 1 hemizygote.

Labcorp Genetics (formerly Invitae), Labcorp
Classification: Pathogenic for Duchenne muscular dystrophy. Last evaluated: 2017-03-21. Review status: criteria provided, single submitter. Criteria: Invitae Variant Classification Sherloc (09022015). Collection method: clinical testing. Allele origin: germline.
Comment: This sequence change deletes 1 nucleotide from exon 50 of the DMD mRNA (c.7268delA), causing a frameshift at codon 2423. This creates a premature translational stop signal (p.Lys2423Serfs*5) and is expected to result in an absent or disrupted protein product. While this particular variant has not been reported in the literature, loss-of-function variants in DMD are known to be pathogenic (PMID: 16770791). For these reasons, this variant has been classified as Pathogenic.

Literature cited by the submitters: PubMed 16770791 (cited by Labcorp Genetics (formerly Invitae), Labcorp).

NM_004006.3(DMD):c.7268del (p.Lys2423fs)

Gene: DMD (dystrophin; minus strand). Cytogenetic location: Xp21.1.
Variant type: Deletion.
Coding change: c.7268del on transcript NM_004006.3 (MANE Select); coding-DNA position 7268, one base deleted (A; older notation c.7268delA).
Protein change: p.Lys2423fs; shifts the reading frame from lysine 2423.
Molecular consequence: frameshift variant. On other transcripts: 5 prime UTR variant (5).
Genome position (GRCh38, 1-based): chrX:31,820,016, T deleted on the plus strand (A on the coding strand, the reverse complement: DMD is on the minus strand); the first of 3 consecutive T bases (chrX:31,820,016-31,820,018); deleting any one gives the same sequence. VCF-style (leftmost placement, unchanged base first): chrX-31820015-CT-C. GRCh37 (hg19) VCF-style: chrX-31838132-CT-C.
Other names: c.7244del, p.Lys2415fs (NM_000109.4); c.7256del, p.Lys2419fs (NM_004009.3); c.6899del, p.Lys2300fs (NM_004010.3); c.3245del, p.Lys1082fs (NM_004011.4); c.3236del, p.Lys1079fs (NM_004012.4); c.-113del (NM_004013.3, NM_004020.4, NM_004021.3 and 2 more transcripts); c.7268delA (NM_004006.2); short protein forms K1082fs, K2419fs, K1079fs, K2415fs, K2300fs, K2423fs.
Identifiers: ClinVar variation 455931 (VCV000455931.11), dbSNP rs1556917057, ClinGen allele CA658658944.